The following is an entry in ClinVar:

NM_201384.3(PLEC):c.2457+5G>A

Gene: PLEC (plectin; minus strand). Cytogenetic location: 8q24.3.
Variant type: single nucleotide variant.
Coding change: c.2457+5G>A on transcript NM_201384.3 (MANE Select); 5 bases into the intron after coding-DNA position 2457, G replaced by A.
Molecular consequence: intron variant.
Genome position (GRCh38, 1-based): chr8:143,930,379, C>T on the plus strand (G>A on the coding strand, the complement: PLEC is on the minus strand). VCF-style: chr8-143930379-C-T. GRCh37 (hg19) VCF-style: chr8-145004547-C-T.
Other names: c.2538+5G>A (NM_001410941.1, NM_000445.5); c.2415+5G>A (NM_201378.4); c.2391+5G>A (NM_201379.3); c.2868+5G>A (NM_201380.4); c.2361+5G>A (NM_201381.3); c.2457+5G>A (NM_201382.4); c.2469+5G>A (NM_201383.3).
Identifiers: ClinVar variation 2937209 (VCV002937209.3), dbSNP rs782608745, ClinGen allele CA4927534.

ClinVar aggregate classification (germline): Uncertain significance (1 of 4 stars; one submission).

Conditions:
Epidermolysis bullosa simplex with nail dystrophy (EBS5D). Identifiers: MedGen C4225309, MONDO:0014661, OMIM 616487.
Epidermolysis bullosa simplex 5C, with pyloric atresia (EBS5C). Also called: PLEC-Related Epidermolysis Bullosa with Pyloric Atresia; Epidermolysis bullosa simplex with pyloric atresia; PLEC1-Related Epidermolysis Bullosa with Pyloric Atresia. Identifiers: Orphanet 158684, MedGen C2677349, MONDO:0012807, OMIM 612138.
Autosomal recessive limb-girdle muscular dystrophy type 2Q (LGMDR17). Also called: MUSCULAR DYSTROPHY, LIMB-GIRDLE, AUTOSOMAL RECESSIVE 17. Identifiers: Orphanet 254361, MedGen C3150989, MONDO:0013390, OMIM 613723.
Epidermolysis bullosa simplex, Ogna type (EBS5A). Also called: Pidermolysis bullosa simplex 5A, Ogna type; EPIDERMOLYSIS BULLOSA SIMPLEX 5A, OGNA TYPE. Identifiers: Orphanet 79401, MedGen C0432317, MONDO:0007555, OMIM 131950.
Epidermolysis bullosa simplex 5B, with muscular dystrophy (EBS5B). Also called: EPIDERMOLYSIS BULLOSA SIMPLEX AND LIMB-GIRDLE MUSCULAR DYSTROPHY; Epidermolysis bullosa simplex with muscular dystrophy. Identifiers: Orphanet 257, MedGen C2931072, MONDO:0009181, OMIM 226670.

Allele frequency attached by ClinVar (database versions not stated): ExAC 0.00002.

Submission:

Labcorp Genetics (formerly Invitae), Labcorp
Classification: Uncertain significance for Autosomal recessive limb-girdle muscular dystrophy type 2Q; Epidermolysis bullosa simplex, Ogna type; Epidermolysis bullosa simplex with nail dystrophy; Epidermolysis bullosa simplex 5C, with pyloric atresia; Epidermolysis bullosa simplex 5B, with muscular dystrophy. Last evaluated: 2023-11-10. Review status: criteria provided, single submitter. Criteria: Invitae Variant Classification Sherloc (09022015). Collection method: clinical testing. Allele origin: germline.
Comment: This sequence change falls in intron 21 of the PLEC gene. It does not directly change the encoded amino acid sequence of the PLEC protein. It affects a nucleotide within the consensus splice site. This variant is present in population databases (rs782608745, gnomAD 0.003%). This variant has not been reported in the literature in individuals affected with PLEC-related conditions. Variants that disrupt the consensus splice site are a relatively common cause of aberrant splicing (PMID: 17576681, 9536098). Algorithms developed to predict the effect of sequence changes on RNA splicing suggest that this variant may disrupt the consensus splice site. In summary, the available evidence is currently insufficient to determine the role of this variant in disease. Therefore, it has been classified as a Variant of Uncertain Significance.

Literature cited by the submitters: PubMed 17576681; PubMed 9536098.